The following is an entry in ClinVar:

ClinVar aggregate classification (germline): Uncertain significance (1 of 4 stars; one submission).

Conditions:
Neuronopathy, distal hereditary motor, autosomal recessive 5. Also called: Spinal muscular atrophy, distal, autosomal recessive, 5; Young adult-onset distal hereditary motor neuropathy; NEUROPATHY, DISTAL HEREDITARY MOTOR, AUTOSOMAL RECESSIVE 5. Identifiers: Orphanet 314485, Orphanet 443950, MedGen C4749918, MONDO:0013947, OMIM 614881.

Allele frequency attached by ClinVar (database versions not stated): TOPMed below 0.00001; ExAC 0.00002; gnomAD exomes 0.00001; gnomAD 0.00002.
gnomAD v4.1: 23 of 1,612,330 alleles (0.0014%); highest among the groups gnomAD compares: Non-Finnish European, 0.0019%; no homozygotes.

Submission:

Labcorp Genetics (formerly Invitae), Labcorp
Classification: Uncertain significance for Neuronopathy, distal hereditary motor, autosomal recessive 5. Last evaluated: 2022-08-15. Review status: criteria provided, single submitter. Criteria: Invitae Variant Classification Sherloc (09022015). Collection method: clinical testing. Allele origin: germline.
Comment: Algorithms developed to predict the effect of missense changes on protein structure and function are either unavailable or do not agree on the potential impact of this missense change (SIFT: "Deleterious"; PolyPhen-2: "Probably Damaging"; Align-GVGD: "Class C15"). ClinVar contains an entry for this variant (Variation ID: 1058479). This variant has not been reported in the literature in individuals affected with DNAJB2-related conditions. This variant is present in population databases (rs761058767, gnomAD 0.003%). This sequence change replaces serine, which is neutral and polar, with cysteine, which is neutral and slightly polar, at codon 57 of the DNAJB2 protein (p.Ser57Cys). In summary, the available evidence is currently insufficient to determine the role of this variant in disease. Therefore, it has been classified as a Variant of Uncertain Significance.

NM_006736.6(DNAJB2):c.170C>G (p.Ser57Cys)

Gene: DNAJB2 (DnaJ heat shock protein family (Hsp40) member B2; plus strand). Cytogenetic location: 2q35.
Variant type: single nucleotide variant.
Coding change: c.170C>G on transcript NM_006736.6 (MANE Select); coding-DNA position 170, C replaced by G.
Protein change: p.Ser57Cys; replaces serine 57 with cysteine.
Molecular consequence: missense variant.
Genome position (GRCh38, 1-based): chr2:219,280,682, C>G. VCF-style: chr2-219280682-C-G. GRCh37 (hg19) VCF-style: chr2-220145404-C-G.
Other names: c.170C>G, p.Ser57Cys (NM_001039550.2); short protein forms S57C.
Identifiers: ClinVar variation 1058479 (VCV001058479.9), dbSNP rs761058767, ClinGen allele CA2122835.